The following is an entry in ClinVar:

ClinVar aggregate classification (germline): Likely benign. Review status: criteria provided, multiple submitters, no conflicts (2 of 4 stars). 2 submissions from 2 submitters: Likely benign (2). Last evaluated 2025-12-02.

Conditions:
Infantile myofibromatosis (IMF). Also called: Congenital generalized fibromatosis. Identifiers: Orphanet 2591, MedGen C0432284, MONDO:0016824.
Skeletal overgrowth-craniofacial dysmorphism-hyperelastic skin-white matter lesions syndrome. Also called: SKELETAL OVERGROWTH WITH FACIAL DYSMORPHISM, HYPERELASTIC SKIN, WHITE MATTER LESIONS, AND NEUROLOGIC DETERIORATION; Kosaki overgrowth syndrome. Identifiers: Orphanet 477831, MedGen C4225270, MONDO:0014704, OMIM 616592.
Acroosteolysis-keloid-like lesions-premature aging syndrome. Also called: Premature aging syndrome, Penttinen type; Prematurely aged appearance, delayed bone maturation, acro-osteolysis, and brachydactyly; Progeroid syndrome, Penttinen type. Identifiers: Orphanet 363665, MedGen C1866182, MONDO:0011150, OMIM 601812.
Basal ganglia calcification, idiopathic, 4 (PFBC4). Also called: Familial Idiopathic Basal Ganglia Calcification 4; PRIMARY FAMILIAL BRAIN CALCIFICATION 4, AUTOSOMAL DOMINANT. Identifiers: Orphanet 1980, MedGen C3554321, MONDO:0014004, OMIM 615007.
PDGFRB-related disorder. Also called: PDGFRB-related condition.

Allele frequency attached by ClinVar (database versions not stated): ESP Exome Variant Server 0.00008; ExAC 0.00010; TOPMed 0.00011; gnomAD 0.00008; gnomAD exomes 0.00009.
gnomAD v4.1: 159 of 1,589,314 alleles (0.01%); highest among the groups gnomAD compares: Middle Eastern, 0.066%; no homozygotes.

Submissions (2):

Labcorp Genetics (formerly Invitae), Labcorp
Classification: Likely benign for Basal ganglia calcification, idiopathic, 4; Skeletal overgrowth-craniofacial dysmorphism-hyperelastic skin-white matter lesions syndrome; Infantile myofibromatosis; Acroosteolysis-keloid-like lesions-premature aging syndrome. Last evaluated: 2025-12-02. Review status: criteria provided, single submitter. Criteria: Invitae Variant Classification Sherloc (09022015). Collection method: clinical testing. Allele origin: germline.

PreventionGenetics, part of Exact Sciences
Classification: Likely benign for PDGFRB-related condition. Last evaluated: 2025-05-01. Review status: criteria provided, single submitter. Criteria: ACMG Guidelines, 2015. Collection method: clinical testing. Allele origin: germline.
Comment: This variant is classified as likely benign based on ACMG/AMP sequence variant interpretation guidelines (Richards et al. 2015 PMID: 25741868, with internal and published modifications).

NM_002609.4(PDGFRB):c.3165C>T (p.Ser1055=)

Gene: PDGFRB (platelet derived growth factor receptor beta; minus strand). Cytogenetic location: 5q32.
Variant type: single nucleotide variant.
Coding change: c.3165C>T on transcript NM_002609.4 (MANE Select); coding-DNA position 3165, C replaced by T.
Protein change: p.Ser1055=; no amino-acid change (serine 1055 retained).
Molecular consequence: synonymous variant.
Genome position (GRCh38, 1-based): chr5:150,115,919, G>A on the plus strand (C>T on the coding strand, the complement: PDGFRB is on the minus strand). VCF-style: chr5-150115919-G-A. GRCh37 (hg19) VCF-style: chr5-149495482-G-A.
Other names: c.2973C>T, p.Ser991= (NM_001355016.2); c.2682C>T, p.Ser894= (NM_001355017.2); c.3165C>T (NM_002609.3).
Identifiers: ClinVar variation 2035755 (VCV002035755.5), dbSNP rs375352303, ClinGen allele CA3507393.
Genomic context (GRCh38, chr5:150,115,919, plus strand): 5'-CTGGGGCTCTGGCTCTGGTTCGTCCTGGGGCTCCAGGGGGCTGTCACAGGAGATGGTTGA[G>A]GAGGTGTTGACTTCATTCAGGGTGGAGCTAGAGGAAAGAGGCAGTGAGTGAGGGGCTAGG-3'
Protein context (NP_002600.1, residues 1045-1065): ASSTLNEVNT[Ser1055=]STISCDSPLE